The following is an entry in ClinVar:

ClinVar aggregate classification (germline): Uncertain significance. Review status: criteria provided, multiple submitters, no conflicts (2 of 4 stars). 2 submissions from 2 submitters: Uncertain significance (2). Last evaluated 2023-05-31.

Conditions:
Inborn genetic diseases. Identifiers: MedGen C0950123, MeSH D030342.

Allele frequency attached by ClinVar (database versions not stated): gnomAD exomes 0.00001.
gnomAD v4.1: 6 of 1,613,788 alleles (0.00037%); highest among the groups gnomAD compares: Non-Finnish European, 0.00042%; no homozygotes.

Submissions (2):

Ambry Genetics
Classification: Uncertain significance for Inborn genetic diseases. Last evaluated: 2023-05-31. Review status: criteria provided, single submitter. Criteria: Ambry Variant Classification Scheme 2023. Collection method: clinical testing. Allele origin: germline.

Labcorp Genetics (formerly Invitae), Labcorp
Classification: Uncertain significance. Last evaluated: 2022-06-28. Review status: criteria provided, single submitter. Criteria: Invitae Variant Classification Sherloc (09022015). Collection method: clinical testing. Allele origin: germline.
Comment: Algorithms developed to predict the effect of missense changes on protein structure and function are either unavailable or do not agree on the potential impact of this missense change (SIFT: "Not Available"; PolyPhen-2: "Benign"; Align-GVGD: "Not Available"). In summary, the available evidence is currently insufficient to determine the role of this variant in disease. Therefore, it has been classified as a Variant of Uncertain Significance. This variant has not been reported in the literature in individuals affected with C9-related conditions. This variant is present in population databases (no rsID available, gnomAD 0.003%). This sequence change replaces threonine, which is neutral and polar, with asparagine, which is neutral and polar, at codon 328 of the C9 protein (p.Thr328Asn).

NM_001737.5(C9):c.983C>A (p.Thr328Asn)

Gene: C9 (complement C9; minus strand). Cytogenetic location: 5p13.1.
Variant type: single nucleotide variant.
Coding change: c.983C>A on transcript NM_001737.5 (MANE Select); coding-DNA position 983, C replaced by A.
Protein change: p.Thr328Asn; replaces threonine 328 with asparagine.
Molecular consequence: missense variant.
Genome position (GRCh38, 1-based): chr5:39,311,265, G>T on the plus strand (C>A on the coding strand, the complement: C9 is on the minus strand). VCF-style: chr5-39311265-G-T. GRCh37 (hg19) VCF-style: chr5-39311367-G-T.
Other names: short protein forms T328N.
Identifiers: ClinVar variation 2041822 (VCV002041822.6), dbSNP rs1248035054, ClinGen allele CA359556311.